The following is an entry in ClinVar:

NM_000540.3(RYR1):c.2870+1G>T

Gene: RYR1 (ryanodine receptor 1; plus strand). Cytogenetic location: 19q13.2.
Variant type: single nucleotide variant.
Coding change: c.2870+1G>T on transcript NM_000540.3 (MANE Select); the canonical splice donor site of the intron after coding-DNA position 2870, G replaced by T.
Molecular consequence: splice donor variant.
Genome position (GRCh38, 1-based): chr19:38,464,723, G>T. VCF-style: chr19-38464723-G-T. GRCh37 (hg19) VCF-style: chr19-38955363-G-T.
Other names: c.2870+1G>T (NM_001042723.2).
Identifiers: ClinVar variation 1379931 (VCV001379931.6), dbSNP rs765241115, ClinGen allele CA405633868.
Genomic context (GRCh38, chr19:38,464,723, plus strand): 5'-CGTGGGCATGGCGGATGAGAAGGCGGAGGACAACCTGAAGAAGACAAAACTCCCCAAGAC[G>T]TGAGTGTGGGCAGCCAGGTCCCGTCTGGGGATGGACTGGGGGCTGGGGATGCTGTGCTAA-3'

ClinVar aggregate classification (germline): Pathogenic (1 of 4 stars; one submission).

Conditions:
RYR1-related disorder. Also called: RYR1-related condition; RYR1-related disorders. Identifiers: MedGen CN239331.

gnomAD v4.1: 1 of 1,577,268 alleles (0.000063%); highest among the groups gnomAD compares: Non-Finnish European, 0.000086%; no homozygotes.

Submission:

Labcorp Genetics (formerly Invitae), Labcorp
Classification: Pathogenic for RYR1-related disorder. Last evaluated: 2022-03-20. Review status: criteria provided, single submitter. Criteria: Invitae Variant Classification Sherloc (09022015). Collection method: clinical testing. Allele origin: germline.
Comment: For these reasons, this variant has been classified as Pathogenic. This sequence change affects a donor splice site in intron 23 of the RYR1 gene. It is expected to disrupt RNA splicing. Variants that disrupt the donor or acceptor splice site typically lead to a loss of protein function (PMID: 16199547), and loss-of-function variants in RYR1 are known to be pathogenic (PMID: 20583297, 20839240, 23919265, 28818389). This variant is not present in population databases (gnomAD no frequency). Disruption of this splice site has been observed in individuals with autosomal recessive congenital myopathy (PMID: 27447704). Algorithms developed to predict the effect of sequence changes on RNA splicing suggest that this variant may disrupt the consensus splice site.

Literature cited by the submitters: PubMed 16199547; PubMed 20583297; PubMed 20839240; PubMed 23919265; PubMed 28818389; PubMed 27447704.